The following is an entry in ClinVar:

ClinVar aggregate classification (germline): Uncertain significance (1 of 4 stars; one submission).

Conditions:
TOP3B-related disorder. Also called: TOP3B-related condition.

Allele frequency attached by ClinVar (database versions not stated): gnomAD exomes below 0.00001; gnomAD 0.00001; TOPMed 0.00001.
gnomAD v4.1: 6 of 1,613,544 alleles (0.00037%); highest among the groups gnomAD compares: African/African-American, 0.0013%; no homozygotes.

Submission:

PreventionGenetics, part of Exact Sciences
Classification: Uncertain significance for TOP3B-related condition. Last evaluated: 2022-08-23. Review status: criteria provided, single submitter. Criteria: ACMG Guidelines, 2015. Collection method: clinical testing. Allele origin: germline.
Comment: The TOP3B c.2107+2T>C variant is predicted to disrupt the GT donor site and interfere with normal splicing. To our knowledge, this variant has not been reported in the literature. This variant is reported in 0.0040% of alleles in individuals of African descent in gnomAD. At this time, the clinical significance of this variant is uncertain due to the absence of conclusive functional and genetic evidence.

NM_001282112.2(TOP3B):c.2107+2T>C

Gene: TOP3B (DNA topoisomerase III beta; minus strand). Cytogenetic location: 22q11.22.
Variant type: single nucleotide variant.
Coding change: c.2107+2T>C on transcript NM_001282112.2 (MANE Select); the canonical splice donor site of the intron after coding-DNA position 2107, T replaced by C.
Molecular consequence: splice donor variant. On other transcripts: synonymous variant (2), non-coding transcript variant (1).
Genome position (GRCh38, 1-based): chr22:21,958,490, A>G on the plus strand (T>C on the coding strand, the complement: TOP3B is on the minus strand). VCF-style: chr22-21958490-A-G. GRCh37 (hg19) VCF-style: chr22-22312862-A-G.
Other names: c.1701T>C, p.Gly567= (NM_001349851.2, NM_001349852.2); c.2107+2T>C (NM_001282113.2, NM_001349847.2, NM_001349845.2 and 1 more transcripts); c.1699+2T>C (NM_001349848.2, NM_001349850.2).
Identifiers: ClinVar variation 2636564 (VCV002636564.1), dbSNP rs1227425196, ClinGen allele CA410834997.